The following is an entry in ClinVar:

ClinVar aggregate classification (germline): Likely pathogenic (1 of 4 stars; one submission).

Conditions:
Intellectual developmental disorder with behavioral abnormalities and craniofacial dysmorphism with or without seizures. Identifiers: MedGen C5231476, MONDO:0032883, OMIM 618725.

Submission:

Division Of Personalized Genomic Medicine, Columbia University Irving Medical Center
Classification: Likely pathogenic for Intellectual developmental disorder with behavioral abnormalities and craniofacial dysmorphism with or without seizures. Last evaluated: 2023-05-02. Review status: criteria provided, single submitter. Criteria: ACMG Guidelines, 2015. Collection method: clinical testing. Allele origin: germline. Inheritance: Autosomal dominant inheritance. Affected: yes. Observed: 1 heterozygote.
Comment: The c.19delC (p.Gln7ArgfsTer18) variant in the PHF21A gene is a heterozygous frameshift variant, resulting in a premature stop codon. This variant localizes to coding exon 4 of the gene (19 coding exons in total; NM_001352027.3). This variant is expected to result in nonsense-mediated decay. Loss-of-function variants in PHF21A have been established to be pathogenic (PMIDs: 30487643, 31649809). To the best of our knowledge, this exact variant has not been described to be disease associated in literature. However, several loss-of-function variants distal to this variant have been reported in the literature and in the ClinVar database. This variant is absent in the Genome Aggregation Database v2 (gnomADv2), in gnomADv3, and in TOPMED population database, indicating that the variant is not a common benign variant in the populations represented in these databases.

Literature cited by the submitters: PubMed 30487643; PubMed 31649809.

NM_001352027.3(PHF21A):c.19del (p.Gln7fs)

Gene: PHF21A (PHD finger protein 21A; minus strand). Cytogenetic location: 11p11.2.
Variant type: Deletion.
Coding change: c.19del on transcript NM_001352027.3 (MANE Select); coding-DNA position 19, one base deleted (C; older notation c.19delC).
Protein change: p.Gln7fs; shifts the reading frame from glutamine 7.
Molecular consequence: frameshift variant. On other transcripts: non-coding transcript variant (2).
Genome position (GRCh38, 1-based): chr11:46,084,201, G deleted on the plus strand (C on the coding strand, the reverse complement: PHF21A is on the minus strand). VCF-style (leftmost placement, unchanged base first): chr11-46084200-TG-T. GRCh37 (hg19) VCF-style: chr11-46105751-TG-T.
Other names: c.19del, p.Gln7fs (NM_001101802.3, NM_001352025.3, NM_001352026.3 and 6 more transcripts); c.19delC (NM_001352027.3); short protein forms Q7fs.
Identifiers: ClinVar variation 2581076 (VCV002581076.2), dbSNP rs2504765197, ClinGen allele CA2580618134.
Genomic context (GRCh38, chr11:46,084,200, plus strand): 5'-TGGGAGAAGCCAATAATACAACTTACCTGGTGAACCTGAATTTCCACTTTAAGAGCCTCC[TG>T]TAGAGTCTGCAACTCCATCCTCTACCTTCTCCACTTTCTCTGCTAATTCTATAGTTTCTT-3'